The following is an entry in ClinVar:

NM_000203.5(IDUA):c.920C>T (p.Ser307Phe)

Gene: IDUA (alpha-L-iduronidase; plus strand). Cytogenetic location: 4p16.3.
Variant type: single nucleotide variant.
Coding change: c.920C>T on transcript NM_000203.5 (MANE Select); coding-DNA position 920, C replaced by T.
Protein change: p.Ser307Phe; replaces serine 307 with phenylalanine.
Molecular consequence: missense variant. On other transcripts: non-coding transcript variant (1).
Genome position (GRCh38, 1-based): chr4:1,002,109, C>T. VCF-style: chr4-1002109-C-T. GRCh37 (hg19) VCF-style: chr4-995897-C-T.
Other names: c.524C>T, p.Ser175Phe (NM_001363576.1); c.920C>T (NM_000203.4); short protein forms S307F, S175F.
Identifiers: ClinVar variation 2193815 (VCV002193815.5), dbSNP rs113373271, ClinGen allele CA91168479.

ClinVar aggregate classification (germline): Uncertain significance. Review status: criteria provided, multiple submitters, no conflicts (2 of 4 stars). 3 submissions from 3 submitters: Uncertain significance (3). Last evaluated 2026-02-21.

Conditions:
Mucopolysaccharidosis type 1. Also called: IDUA deficiency; MPS I; Mucopolysaccharidosis Type I. Identifiers: Orphanet 579, MedGen C0023786, MONDO:0001586.
IDUA-related disorder. Also called: IDUA-related condition.

Allele frequency attached by ClinVar (database versions not stated): TOPMed below 0.00001; gnomAD 0.00001; gnomAD exomes 0.00001.
gnomAD v4.1: 16 of 1,572,458 alleles (0.001%); highest among the groups gnomAD compares: African/African-American, 0.012%; no homozygotes.

Submissions (3):

PreventionGenetics, part of Exact Sciences
Classification: Uncertain significance for IDUA-related condition. Last evaluated: 2026-02-21. Review status: criteria provided, single submitter. Criteria: ACMG Guidelines, 2015. Collection method: clinical testing. Allele origin: germline.
Comment: The IDUA c.920C>T variant is predicted to result in the amino acid substitution p.Ser307Phe. To our knowledge, this variant has not been reported in the literature. This variant is reported in 0.0095% of alleles in individuals of African descent in gnomAD. At this time, the clinical significance of this variant is uncertain due to the absence of conclusive functional and genetic evidence.

Revvity Omics, Revvity
Classification: Uncertain significance. Last evaluated: 2022-08-30. Review status: criteria provided, single submitter. Criteria: ACMG Guidelines, 2015. Collection method: clinical testing. Allele origin: germline.

Labcorp Genetics (formerly Invitae), Labcorp
Classification: Uncertain significance for Mucopolysaccharidosis type 1. Last evaluated: 2022-08-19. Review status: criteria provided, single submitter. Criteria: Invitae Variant Classification Sherloc (09022015). Collection method: clinical testing. Allele origin: germline.
Comment: This sequence change replaces serine, which is neutral and polar, with phenylalanine, which is neutral and non-polar, at codon 307 of the IDUA protein (p.Ser307Phe). This variant is present in population databases (rs113373271, gnomAD 0.01%). This variant has not been reported in the literature in individuals affected with IDUA-related conditions. Advanced modeling of protein sequence and biophysical properties (such as structural, functional, and spatial information, amino acid conservation, physicochemical variation, residue mobility, and thermodynamic stability) performed at Invitae indicates that this missense variant is expected to disrupt IDUA protein function. In summary, the available evidence is currently insufficient to determine the role of this variant in disease. Therefore, it has been classified as a Variant of Uncertain Significance.